The following is an entry in ClinVar:

ClinVar aggregate classification (germline): Benign. Review status: criteria provided, multiple submitters, no conflicts (2 of 4 stars). 5 submissions from 4 submitters: Benign (5). Last evaluated 2026-01-23.

Conditions:
Achromatopsia. Also called: Rod monochromatism. Identifiers: Orphanet 49382, MedGen C0152200, MONDO:0018852, HP:0011516.
Cone dystrophy 4 (COD4). Identifiers: Orphanet 49382, MedGen C2751308, MONDO:0013129, OMIM 613093.

Allele frequency attached by ClinVar (database versions not stated): gnomAD exomes 0.00687 and 0.00371; ESP Exome Variant Server 0.00147; TOPMed 0.00268; gnomAD 0.00369 and 0.00210; ExAC 0.00772; 1000 Genomes Project 30x 0.01577; 1000 Genomes Project 0.01877.
gnomAD v4.1: 5,987 of 1,613,598 alleles (0.37%); highest among the groups gnomAD compares: East Asian, 4.8%; 166 homozygotes.

Submissions (10):

Labcorp Genetics (formerly Invitae), Labcorp
Classification: Benign. Last evaluated: 2026-01-23. Review status: criteria provided, single submitter. Criteria: Invitae Variant Classification Sherloc (09022015). Collection method: clinical testing. Allele origin: germline.

Illumina Laboratory Services, Illumina
Classification: Benign for Cone dystrophy 4. Last evaluated: 2017-04-27. Review status: criteria provided, single submitter. Criteria: ICSL Variant Classification Criteria 13 December 2019. Collection method: clinical testing. Allele origin: germline.
Comment: This variant was observed as part of a predisposition screen in an ostensibly healthy population. A literature search was performed for the gene, cDNA change, and amino acid change (where applicable). Publications were found based on this search. The evidence from the literature, in combination with allele frequency data from public databases where available, was sufficient to rule this variant out of causing disease. Therefore, this variant is classified as benign.

Illumina Laboratory Services, Illumina
Classification: Benign for Achromatopsia. Last evaluated: 2017-04-27. Review status: criteria provided, single submitter. Criteria: ICSL Variant Classification Criteria 13 December 2019. Collection method: clinical testing. Allele origin: germline.
Comment: the same text as in the submission from Illumina Laboratory Services, Illumina above.

Eurofins Ntd Llc (ga)
Classification: Benign. Last evaluated: 2014-01-09. Review status: criteria provided, single submitter. Criteria: EGL Classification Definitions 2015. Collection method: clinical testing. Allele origin: germline. Observed: 1 variant allele, 1 heterozygote.

Breakthrough Genomics
Classification: Benign. Review status: criteria provided, single submitter. Criteria: ACMG Guidelines, 2015. Collection method: not provided. Allele origin: germline. Inheritance: Autosomal recessive inheritance. Affected: yes.

Dr. Peter K. Rogan Lab, Western University
No classification provided (evidence only). Condition: Clear cell carcinoma of kidney. Review status: no classification provided. Collection method: in vitro. Allele origin: not applicable. Functional consequence: retained intron. Not counted in ClinVar's aggregate classification.

Dr. Peter K. Rogan Lab, Western University
No classification provided (evidence only). Condition: Cervical cancer. Review status: no classification provided. Collection method: in vitro. Allele origin: not applicable. Functional consequence: retained intron. Not counted in ClinVar's aggregate classification.

Dr. Peter K. Rogan Lab, Western University
No classification provided (evidence only). Condition: Gastric cancer. Review status: no classification provided. Collection method: in vitro. Allele origin: not applicable. Functional consequence: retained intron. Not counted in ClinVar's aggregate classification.

Dr. Peter K. Rogan Lab, Western University
No classification provided (evidence only). Condition: Gastric cancer. Review status: no classification provided. Collection method: in vitro. Allele origin: not applicable. Functional consequence: retained intron. Not counted in ClinVar's aggregate classification.

Dr. Peter K. Rogan Lab, Western University
No classification provided (evidence only). Condition: Malignant tumor of esophagus. Review status: no classification provided. Collection method: in vitro. Allele origin: not applicable. Functional consequence: retained intron. Not counted in ClinVar's aggregate classification.

Literature cited by the submitters: PubMed 10393054 (cited by Illumina Laboratory Services, Illumina).

NM_006204.4(PDE6C):c.471T>G (p.Asp157Glu)

Gene: PDE6C (phosphodiesterase 6C; plus strand). Cytogenetic location: 10q23.33.
Variant type: single nucleotide variant.
Coding change: c.471T>G on transcript NM_006204.4 (MANE Select); coding-DNA position 471, T replaced by G.
Protein change: p.Asp157Glu; replaces aspartic acid 157 with glutamic acid.
Molecular consequence: missense variant.
Genome position (GRCh38, 1-based): chr10:93,613,196, T>G. VCF-style: chr10-93613196-T-G. GRCh37 (hg19) VCF-style: chr10-95372953-T-G.
Other names: short protein forms D157E.
Identifiers: ClinVar variation 167441 (VCV000167441.21), dbSNP rs76999928, ClinGen allele CA180279.